The following is an entry in ClinVar:

ClinVar aggregate classification (germline): Uncertain significance (1 of 4 stars; one submission).

Allele frequency attached by ClinVar (database versions not stated): TOPMed below 0.00001; gnomAD 0.00001.
gnomAD v4.1: 9 of 1,613,968 alleles (0.00056%); highest among the groups gnomAD compares: East Asian, 0.0022%; no homozygotes.

Submission:

Labcorp Genetics (formerly Invitae), Labcorp
Classification: Uncertain significance. Last evaluated: 2025-10-24. Review status: criteria provided, single submitter. Criteria: Invitae Variant Classification Sherloc (09022015). Collection method: clinical testing. Allele origin: germline.
Comment: This sequence change replaces arginine, which is basic and polar, with histidine, which is basic and polar, at codon 249 of the RP1 protein (p.Arg249His). This variant is present in population databases (no rsID available, gnomAD 0.006%). This missense change has been observed in individual(s) with retinitis pigmentosa (PMID: 11317367). ClinVar contains an entry for this variant (Variation ID: 2735169). An algorithm developed to predict the effect of missense changes on protein structure and function outputs the following: PolyPhen-2: "Benign". The histidine amino acid residue is found in multiple mammalian species, which suggests that this missense change does not adversely affect protein function. In summary, the available evidence is currently insufficient to determine the role of this variant in disease. Therefore, it has been classified as a Variant of Uncertain Significance.

Literature cited by the submitters: PubMed 11317367.

NM_006269.2(RP1):c.746G>A (p.Arg249His)

Gene: RP1 (RP1 axonemal microtubule associated; plus strand). Cytogenetic location: 8q12.1.
Variant type: single nucleotide variant.
Coding change: c.746G>A on transcript NM_006269.2 (MANE Select); coding-DNA position 746, G replaced by A.
Protein change: p.Arg249His; replaces arginine 249 with histidine.
Molecular consequence: missense variant.
Genome position (GRCh38, 1-based): chr8:54,622,247, G>A. VCF-style: chr8-54622247-G-A. GRCh37 (hg19) VCF-style: chr8-55534807-G-A.
Other names: c.746G>A, p.Arg249His (NM_001375654.1); short protein forms R249H.
Identifiers: ClinVar variation 2735169 (VCV002735169.3), dbSNP rs373574136, ClinGen allele CA370988202.